The following is an entry in ClinVar:

NM_181486.4(TBX5):c.704G>A (p.Gly235Glu)

Gene: TBX5 (T-box transcription factor 5; minus strand). Cytogenetic location: 12q24.21.
Variant type: single nucleotide variant.
Coding change: c.704G>A on transcript NM_181486.4 (MANE Select); coding-DNA position 704, G replaced by A.
Protein change: p.Gly235Glu; replaces glycine 235 with glutamic acid.
Molecular consequence: missense variant.
Genome position (GRCh38, 1-based): chr12:114,385,527, C>T on the plus strand (G>A on the coding strand, the complement: TBX5 is on the minus strand). VCF-style: chr12-114385527-C-T. GRCh37 (hg19) VCF-style: chr12-114823332-C-T.
Other names: c.704G>A, p.Gly235Glu (NM_000192.3); c.554G>A, p.Gly185Glu (NM_080717.4); short protein forms G185E, G235E.
Identifiers: ClinVar variation 1032249 (VCV001032249.1), dbSNP rs1870765797, ClinGen allele CA386859693.

ClinVar aggregate classification (germline): Likely pathogenic (1 of 4 stars; one submission).

Conditions:
Holt-Oram syndrome (HOS). Also called: TBX5-Related Holt-Oram Syndrome; Ventriculo-radial syndrome; Cardiac-limb syndrome; Heart-hand syndrome, type 1. Identifiers: Orphanet 392, MedGen C0265264, MONDO:0007732, OMIM 142900.

Submission:

Baylor Genetics
Classification: Likely pathogenic for Holt-Oram syndrome. Last evaluated: 2018-05-14. Review status: criteria provided, single submitter. Criteria: ACMG Guidelines, 2015. Collection method: clinical testing. Allele origin: de novo. Affected: yes.
Comment: This variant was determined to be likely pathogenic according to ACMG Guidelines, 2015 [PMID:25741868].